The following is an entry in ClinVar:

NM_001097642.3(GJB1):c.-16-580T>G

Gene: GJB1 (gap junction protein beta 1; plus strand). Cytogenetic location: Xq13.1.
Variant type: single nucleotide variant.
Coding change: c.-16-580T>G on transcript NM_001097642.3; 580 bases into the intron before 16 bases upstream of the start codon, T replaced by G.
Molecular consequence: intron variant.
Genome position (GRCh38, 1-based): chrX:71,223,112, T>G. VCF-style: chrX-71223112-T-G. GRCh37 (hg19) VCF-style: chrX-70442962-T-G.
Other names: c.-17+346T>G (NM_001440770.1).
Identifiers: ClinVar variation 1676171 (VCV001676171.32), dbSNP rs2147944267, ClinGen allele CA2573159489.

ClinVar aggregate classification (germline): Uncertain significance (1 of 4 stars; one submission).

Submission:

CeGaT Center for Human Genetics Tuebingen
Classification: Uncertain significance. Last evaluated: 2023-12-01. Review status: criteria provided, single submitter. Criteria: CeGaT Center For Human Genetics Tuebingen Variant Classification Criteria Version 2. Collection method: clinical testing. Allele origin: germline. Affected: yes. Observed: 2 variant alleles.
Comment: GJB1: PM2